The following is an entry in ClinVar:

NM_018026.4(PACS1):c.1428G>A (p.Pro476=)

Gene: PACS1 (phosphofurin acidic cluster sorting protein 1; plus strand). Cytogenetic location: 11q13.2.
Variant type: single nucleotide variant.
Coding change: c.1428G>A on transcript NM_018026.4 (MANE Select); coding-DNA position 1428, G replaced by A.
Protein change: p.Pro476=; no amino-acid change (proline 476 retained).
Molecular consequence: synonymous variant.
Genome position (GRCh38, 1-based): chr11:66,230,601, G>A. VCF-style: chr11-66230601-G-A. GRCh37 (hg19) VCF-style: chr11-65998072-G-A.
Identifiers: ClinVar variation 589313 (VCV000589313.14), dbSNP rs531107781, ClinGen allele CA6116569.

ClinVar aggregate classification (germline): Likely benign. Review status: criteria provided, multiple submitters, no conflicts (2 of 4 stars). 4 submissions from 4 submitters: Likely benign (3). 1 of the submissions does not count toward it. Last evaluated 2025-09-23.

Conditions:
Inborn genetic diseases. Identifiers: MedGen C0950123, MeSH D030342.
PACS1-related disorder. Also called: PACS1-related condition.
Schuurs-Hoeijmakers syndrome. Also called: PACS1-Related Neurodevelopmental Disorder. Identifiers: Orphanet 329224, MedGen C3554343, MONDO:0014006, OMIM 615009.

Allele frequency attached by ClinVar (database versions not stated): gnomAD 0.00001 and 0.00002; gnomAD exomes 0.00001 and 0.00002; ExAC 0.00003; 1000 Genomes Project 30x 0.00016; 1000 Genomes Project 0.00020; TOPMed 0.00001.
gnomAD v4.1: 22 of 1,614,102 alleles (0.0014%); highest among the groups gnomAD compares: East Asian, 0.0089%; no homozygotes.

Submissions (4):

Labcorp Genetics (formerly Invitae), Labcorp
Classification: Likely benign for Schuurs-Hoeijmakers syndrome. Last evaluated: 2025-09-23. Review status: criteria provided, single submitter. Criteria: Invitae Variant Classification Sherloc (09022015). Collection method: clinical testing. Allele origin: germline.

GeneDx
Classification: Likely benign. Last evaluated: 2019-11-26. Review status: criteria provided, single submitter. Criteria: GeneDx Variant Classification Process June 2021. Collection method: clinical testing. Allele origin: germline. Affected: yes.

Ambry Genetics
Classification: Likely benign for Inborn genetic diseases. Last evaluated: 2016-06-28. Review status: criteria provided, single submitter. Criteria: Ambry Variant Classification Scheme 2023. Collection method: clinical testing. Allele origin: germline.

PreventionGenetics, part of Exact Sciences
Classification: Likely benign for PACS1-related condition. Last evaluated: 2024-06-27. Review status: no assertion criteria provided. Collection method: clinical testing. Allele origin: germline. Not counted in ClinVar's aggregate classification.
Comment: This variant is classified as likely benign based on ACMG/AMP sequence variant interpretation guidelines (Richards et al. 2015 PMID: 25741868, with internal and published modifications).